The following is an entry in ClinVar:

NC_012920.1(MT-CYB):m.15483C>T

Gene: MT-CYB (mitochondrially encoded cytochrome b; plus strand).
Variant type: single nucleotide variant.
Genome position: chrM-15483-C-T.
Identifiers: ClinVar variation 693891 (VCV000693891.1), dbSNP rs1603225306, ClinGen allele CA913173996.

ClinVar aggregate classification (germline): Uncertain significance (1 of 4 stars; one submission).

Conditions:
Leigh syndrome (NULS). Also called: Leigh's necrotizing encephalopathy; Leigh's disease; Leigh's syndrome; LEIGH SYNDROME, NUCLEAR; Leigh Syndrome (mtDNA deletion); Leigh Disease. Identifiers: Orphanet 506, MedGen C2931891, MONDO:0009723, OMIM 256000.

Submission:

Wong Mito Lab, Molecular and Human Genetics, Baylor College of Medicine
Classification: Uncertain significance for Leigh syndrome. Last evaluated: 2019-10-17. Review status: criteria provided, single submitter. Criteria: Modified ACMG Guidelines (Unpublished). Collection method: clinical testing. Allele origin: germline.
Comment: The NC_012920.1:m.15483C>T (YP_003024038.1:p.Ser246Leu) variant in MTCYB gene is interpretated to be a Uncertain Significance variant based on the modified ACMG guidelines (unpublished). This variant meets the following evidence codes: BP4